The following is an entry in ClinVar:

ClinVar aggregate classification (germline): Uncertain significance (1 of 4 stars; one submission).

Conditions:
TP63-Related Spectrum Disorders.

gnomAD v4.1: 7 of 1,614,026 alleles (0.00043%); highest among the groups gnomAD compares: African/African-American, 0.0027%; no homozygotes.

Submission:

Labcorp Genetics (formerly Invitae), Labcorp
Classification: Uncertain significance. Last evaluated: 2024-04-11. Review status: criteria provided, single submitter. Criteria: Invitae Variant Classification Sherloc (09022015). Collection method: clinical testing. Allele origin: germline.
Comment: This sequence change replaces histidine, which is basic and polar, with arginine, which is basic and polar, at codon 383 of the TP63 protein (p.His383Arg). This variant is present in population databases (no rsID available, gnomAD 0.007%). This variant has not been reported in the literature in individuals affected with TP63-related conditions. Advanced modeling of protein sequence and biophysical properties (such as structural, functional, and spatial information, amino acid conservation, physicochemical variation, residue mobility, and thermodynamic stability) has been performed at Invitae for this missense variant, however the output from this modeling did not meet the statistical confidence thresholds required to predict the impact of this variant on TP63 protein function. In summary, the available evidence is currently insufficient to determine the role of this variant in disease. Therefore, it has been classified as a Variant of Uncertain Significance.

NM_003722.5(TP63):c.1148A>G (p.His383Arg)

Gene: TP63 (tumor protein p63; plus strand). Cytogenetic location: 3q28.
Variant type: single nucleotide variant.
Coding change: c.1148A>G on transcript NM_003722.5 (MANE Select); coding-DNA position 1148, A replaced by G.
Protein change: p.His383Arg; replaces histidine 383 with arginine.
Molecular consequence: missense variant.
Genome position (GRCh38, 1-based): chr3:189,869,342, A>G. VCF-style: chr3-189869342-A-G. GRCh37 (hg19) VCF-style: chr3-189587131-A-G.
Other names: c.1148A>G, p.His383Arg (NM_001114978.2, NM_001114979.2, NM_001329144.2); c.866A>G, p.His289Arg (NM_001114980.2, NM_001114981.2, NM_001114982.2 and 1 more transcripts); c.611A>G, p.His204Arg (NM_001329146.2); c.1136A>G, p.His379Arg (NM_001329148.2); c.854A>G, p.His285Arg (NM_001329149.2); c.599A>G, p.His200Arg (NM_001329150.2); c.1142A>G, p.His381Arg (NM_001329964.2); short protein forms H200R, H204R, H285R, H289R, H379R, H381R, H383R.
Identifiers: ClinVar variation 3625985 (VCV003625985.1).